The following is an entry in ClinVar:

NM_001846.4(COL4A2):c.1645G>A (p.Asp549Asn)

Genes: COL4A2 (collagen type IV alpha 2 chain; plus strand), COL4A2-AS2 (COL4A2 antisense RNA 2; minus strand). Cytogenetic location: 13q34.
Variant type: single nucleotide variant.
Coding change: c.1645G>A on transcript NM_001846.4 (MANE Select); coding-DNA position 1645, G replaced by A.
Protein change: p.Asp549Asn; replaces aspartic acid 549 with asparagine.
Molecular consequence: missense variant.
Genome position (GRCh38, 1-based): chr13:110,462,162, G>A. VCF-style: chr13-110462162-G-A. GRCh37 (hg19) VCF-style: chr13-111114509-G-A.
Other names: short protein forms D549N.
Identifiers: ClinVar variation 1469256 (VCV001469256.8), dbSNP rs1392128437, ClinGen allele CA388738481.

ClinVar aggregate classification (germline): Uncertain significance. Review status: criteria provided, multiple submitters, no conflicts (2 of 4 stars). 2 submissions from 2 submitters: Uncertain significance (2). Last evaluated 2023-09-06.

Allele frequency attached by ClinVar (database versions not stated): gnomAD exomes below 0.00001.
gnomAD v4.1: 2 of 1,614,276 alleles (0.00012%); highest among the groups gnomAD compares: Admixed American, 0.0033%; no homozygotes.

Submissions (2):

Labcorp Genetics (formerly Invitae), Labcorp
Classification: Uncertain significance. Last evaluated: 2023-09-06. Review status: criteria provided, single submitter. Criteria: Invitae Variant Classification Sherloc (09022015). Collection method: clinical testing. Allele origin: germline.
Comment: In summary, the available evidence is currently insufficient to determine the role of this variant in disease. Therefore, it has been classified as a Variant of Uncertain Significance. Advanced modeling of protein sequence and biophysical properties (such as structural, functional, and spatial information, amino acid conservation, physicochemical variation, residue mobility, and thermodynamic stability) performed at Invitae indicates that this missense variant is not expected to disrupt COL4A2 protein function. ClinVar contains an entry for this variant (Variation ID: 1469256). This variant has not been reported in the literature in individuals affected with COL4A2-related conditions. This variant is present in population databases (no rsID available, gnomAD 0.003%). This sequence change replaces aspartic acid, which is acidic and polar, with asparagine, which is neutral and polar, at codon 549 of the COL4A2 protein (p.Asp549Asn).

GeneDx
Classification: Uncertain significance. Last evaluated: 2022-05-05. Review status: criteria provided, single submitter. Criteria: GeneDx Variant Classification Process June 2021. Collection method: clinical testing. Allele origin: germline. Affected: yes.
Comment: Not observed at significant frequency in large population cohorts (gnomAD); In silico analysis supports that this missense variant has a deleterious effect on protein structure/function; Occurs in the triple helical domain at the X position in the canonical Gly-X-Y repeat; although this variant may have an effect on normal protein folding and function, missense substitution at the X position is not a common mechanism of disease; Has not been previously published as pathogenic or benign to our knowledge